The following is an entry in ClinVar:

NM_004484.4(GPC3):c.1069T>G (p.Tyr357Asp)

Gene: GPC3 (glypican 3; minus strand). Cytogenetic location: Xq26.2.
Variant type: single nucleotide variant.
Coding change: c.1069T>G on transcript NM_004484.4 (MANE Select); coding-DNA position 1069, T replaced by G.
Protein change: p.Tyr357Asp; replaces tyrosine 357 with aspartic acid.
Molecular consequence: missense variant.
Genome position (GRCh38, 1-based): chrX:133,699,992, A>C on the plus strand (T>G on the coding strand, the complement: GPC3 is on the minus strand). VCF-style: chrX-133699992-A-C. GRCh37 (hg19) VCF-style: chrX-132834020-A-C.
Other names: c.1138T>G, p.Tyr380Asp (NM_001164617.2); c.1021T>G, p.Tyr341Asp (NM_001164618.2); c.907T>G, p.Tyr303Asp (NM_001164619.2); short protein forms Y303D, Y341D, Y380D, Y357D.
Identifiers: ClinVar variation 2862185 (VCV002862185.3), dbSNP rs2521161322, ClinGen allele CA414700032.
Genomic context (GRCh38, chrX:133,699,992, plus strand): 5'-GAGCAACTTTTAATACTTTCTTGTCAATAAAGAGATCTTCAGGATAATAAGCAGATCTAT[A>C]TTGGCGTTGTTGAGAATGGGCACATAACTTGCCAATCTGAAAAAAGAAATGCAATATAAT-3'
Protein context (NP_004475.1, residues 347-367): KLCAHSQQRQ[Tyr357Asp]RSAYYPEDLF

ClinVar aggregate classification (germline): Uncertain significance (1 of 4 stars; one submission).

Conditions:
Wilms tumor 1 (WT1). Also called: Wilms tumor, somatic. Identifiers: Orphanet 654, MedGen CN033288, MONDO:0008679, OMIM 194070.

Submission:

Labcorp Genetics (formerly Invitae), Labcorp
Classification: Uncertain significance for Wilms tumor 1. Last evaluated: 2023-05-05. Review status: criteria provided, single submitter. Criteria: Invitae Variant Classification Sherloc (09022015). Collection method: clinical testing. Allele origin: germline.
Comment: In summary, the available evidence is currently insufficient to determine the role of this variant in disease. Therefore, it has been classified as a Variant of Uncertain Significance. Advanced modeling of protein sequence and biophysical properties (such as structural, functional, and spatial information, amino acid conservation, physicochemical variation, residue mobility, and thermodynamic stability) performed at Invitae indicates that this missense variant is not expected to disrupt GPC3 protein function. This variant has not been reported in the literature in individuals affected with GPC3-related conditions. This variant is not present in population databases (gnomAD no frequency). This sequence change replaces tyrosine, which is neutral and polar, with aspartic acid, which is acidic and polar, at codon 357 of the GPC3 protein (p.Tyr357Asp).